The following is an entry in ClinVar:

NM_000075.4(CDK4):c.618_619del (p.Glu206fs)

Gene: CDK4 (cyclin dependent kinase 4; minus strand). Cytogenetic location: 12q14.1.
Variant type: Microsatellite.
Coding change: c.618_619del on transcript NM_000075.4 (MANE Select); coding-DNA positions 618 to 619, 2 bases deleted (GA; older notation c.618_619delGA).
Protein change: p.Glu206fs; shifts the reading frame from glutamic acid 206.
Molecular consequence: frameshift variant.
Genome position (GRCh38, 1-based): chr12:57,750,669-57,750,670, TC deleted on the plus strand (GA on the coding strand, the reverse complement: CDK4 is on the minus strand); deleting any 2 consecutive bases within chr12:57,750,669-57,750,673 gives the same sequence; the c. name uses the placement nearest the transcript's 3' end. VCF-style (leftmost placement, unchanged base first): chr12-57750668-ATC-A. GRCh37 (hg19) VCF-style: chr12-58144451-ATC-A.
Other names: short protein forms E206fs.
Identifiers: ClinVar variation 4824893 (VCV004824893.1).

ClinVar aggregate classification (germline): Uncertain significance (1 of 4 stars; one submission).

Conditions:
Hereditary cancer-predisposing syndrome. Also called: Neoplastic Syndromes, Hereditary; Tumor predisposition; Hereditary Cancer Syndrome; Hereditary neoplastic syndrome. Identifiers: Orphanet 140162, MedGen C0027672, MeSH D009386, MONDO:0015356.

Submission:

Ambry Genetics
Classification: Uncertain significance for Hereditary cancer-predisposing syndrome. Last evaluated: 2026-02-03. Review status: criteria provided, single submitter. Criteria: Ambry Variant Classification Scheme 2023. Collection method: clinical testing. Allele origin: germline.
Comment: The c.618_619delGA variant, located in coding exon 4 of the CDK4 gene, results from a deletion of two nucleotides at nucleotide positions 618 to 619, causing a translational frameshift with a predicted alternate stop codon (p.E206Dfs*13). This alteration is expected to result in protein truncation or nonsense-mediated mRNA decay. However, loss of function of CDK4 has not been established as a mechanism of disease. Based on the available evidence, the clinical significance of this variant remains unclear.